The following is an entry in ClinVar:

ClinVar aggregate classification (germline): Uncertain significance (1 of 4 stars; one submission).

Conditions:
Familial thoracic aortic aneurysm and aortic dissection (TAAD). Also called: Thoracic aortic aneurysms and dissections. Identifiers: Orphanet 91387, MedGen C4707243, MONDO:0019625.

Submission:

All of Us Research Program, National Institutes of Health
Classification: Uncertain significance for Familial thoracic aortic aneurysm and aortic dissection. Last evaluated: 2023-04-27. Review status: criteria provided, single submitter. Criteria: ACMG Guidelines, 2015. Collection method: clinical testing. Allele origin: germline. Inheritance: Autosomal dominant inheritance. Observed: 1 variant allele, 1 heterozygote.
Comment: This study involves interpretation of variants in research participants for the purpose of population health screening. Participant phenotype was not available at the time of variant classification. Additional details can be found in publication PMID: 35346344, PMCID: PMC8962531

NM_002474.3(MYH11):c.5377C>T (p.Gln1793Ter)

Genes: NDE1 (nudE neurodevelopment protein 1; plus strand), MYH11 (myosin heavy chain 11; minus strand). Cytogenetic location: 16p13.11.
Variant type: single nucleotide variant.
Coding change: c.5377C>T on transcript NM_002474.3 (MANE Select); coding-DNA position 5377, C replaced by T.
Protein change: p.Gln1793Ter; replaces glutamine 1793 with a stop codon.
Molecular consequence: nonsense. On other transcripts: intron variant (2).
Genome position (GRCh38, 1-based): chr16:15,717,267, G>A on the plus strand (C>T on the coding strand, the complement: MYH11 is on the minus strand). VCF-style: chr16-15717267-G-A. GRCh37 (hg19) VCF-style: chr16-15811124-G-A.
Other names: c.5398C>T, p.Gln1800Ter (NM_001040113.2, NM_001040114.2); c.5377C>T, p.Gln1793Ter (NM_022844.3); c.948-6924G>A (NM_001143979.2, NM_017668.3); short protein forms Q1793*, Q1800*.
Identifiers: ClinVar variation 3070477 (VCV003070477.1), dbSNP rs2040208172, ClinGen allele CA394849024.